The following is an entry in ClinVar:

ClinVar aggregate classification (germline): Conflicting classifications of pathogenicity. Review status: criteria provided, conflicting classifications (1 of 4 stars). 9 submissions from 9 submitters: Uncertain significance (4); Benign (2); Likely benign (2). 1 of the submissions does not count toward it. Last evaluated 2026-03-20.

Conditions:
TSC1-related disorder. Also called: TSC1-related condition.
Hereditary cancer-predisposing syndrome. Also called: Hereditary Cancer Syndrome; Tumor predisposition; Hereditary neoplastic syndrome; Neoplastic Syndromes, Hereditary. Identifiers: Orphanet 140162, MedGen C0027672, MeSH D009386, MONDO:0015356.
Craniopharyngioma. Also called: Adamantinomatous tumor; Dysodontogenic epithelial tumor; Rathke's pouch tumor; Craniopharyngeal duct tumor. Identifiers: Orphanet 54595, MedGen C0010276, MeSH D003397, MONDO:0018907, HP:0030062.
Lymphangiomyomatosis (LAM). Also called: Lymphangioleiomyomatosis, somatic; Lymphangioleiomyomatosis. Identifiers: Orphanet 538, MedGen C0751674, MONDO:0011705, OMIM 606690.
Tuberous sclerosis 1 (TSC1). Identifiers: Orphanet 805, MedGen C1854465, MONDO:0008612, OMIM 191100.
Isolated focal cortical dysplasia type II (FCORD2). Also called: Focal cortical dysplasia type II; CORTICAL DYSPLASIA OF TAYLOR. Identifiers: Orphanet 268994, MedGen C1846385, MONDO:0011818, OMIM 607341, HP:0032051.
Tuberous sclerosis syndrome (TSC). Also called: Tuberous Sclerosis Complex; Tuberous sclerosis. Identifiers: Orphanet 805, MedGen C0041341, MONDO:0001734.

Allele frequency attached by ClinVar (database versions not stated): gnomAD exomes 0.00001; gnomAD 0.00001; ESP Exome Variant Server 0.00008; ExAC 0.00001; TOPMed 0.00002.
gnomAD v4.1: 10 of 1,614,004 alleles (0.00062%); highest among the groups gnomAD compares: African/African-American, 0.0013%; no homozygotes.

Submissions (9):

Ambry Genetics
Classification: Benign for Hereditary cancer-predisposing syndrome. Last evaluated: 2026-03-20. Review status: criteria provided, single submitter. Criteria: Ambry Variant Classification Scheme 2023. Collection method: clinical testing. Allele origin: germline.

Labcorp Genetics (formerly Invitae), Labcorp
Classification: Benign for Tuberous sclerosis 1. Last evaluated: 2026-01-13. Review status: criteria provided, single submitter. Criteria: Invitae Variant Classification Sherloc (09022015). Collection method: clinical testing. Allele origin: germline.

Color Diagnostics, LLC DBA Color Health
Classification: Uncertain significance for Tuberous sclerosis syndrome. Last evaluated: 2025-05-30. Review status: criteria provided, single submitter. Criteria: ACMG Guidelines, 2015. Collection method: clinical testing. Allele origin: germline.
Comment: This missense variant replaces glycine with alanine at codon 452 of the TSC1 protein. Computational prediction suggests that this variant may not impact protein structure and function. To our knowledge, functional studies have not been reported for this variant. This variant has been reported in individuals with uterus cancer (PMID: 29684080) and adamantinomatous type craniopharyngioma (PMID: 34301788). This variant has been identified in 4/282592 chromosomes in the general population by the Genome Aggregation Database (gnomAD). The available evidence is insufficient to determine the role of this variant in disease conclusively. Therefore, this variant is classified as a Variant of Uncertain Significance.

Fulgent Genetics
Classification: Uncertain significance for Tuberous sclerosis 1; Lymphangiomyomatosis; Isolated focal cortical dysplasia type II. Last evaluated: 2024-02-14. Review status: criteria provided, single submitter. Criteria: ACMG Guidelines, 2015. Collection method: clinical testing. Allele origin: germline.

Genetic Services Laboratory, University of Chicago
Classification: Uncertain significance. Last evaluated: 2023-02-13. Review status: criteria provided, single submitter. Criteria: ACMG Guidelines, 2015. Collection method: clinical testing. Allele origin: germline. Affected: no.
Comment: DNA sequence analysis of the TSC1 gene demonstrated a sequence change, c.1355G>C, in exon 14 that results in an amino acid change, p.Gly452Ala. This sequence change has been previously described in the The Cancer Genome Atlas (TCGA) cohort in an individual with uterine corpus endometrial carcinoma (PMID: 29684080). This sequence change has been described in the gnomAD database with a global frequency of 0.0014% (dbSNP rs371093730). The p.Gly452Ala change affects a moderately conserved amino acid residue located in a domain of the TSC1 protein that is known to be functional. The p.Gly452Ala substitution appears to be benign using several in-silico pathogenicity prediction tools (SIFT, PolyPhen2, Align GVGD, REVEL). Due to insufficient evidences and the lack of functional studies, the clinical significance of the p.Gly452Ala change remains unknown at this time.

Genome-Nilou Lab
Classification: Likely benign for Tuberous sclerosis 1. Last evaluated: 2021-11-07. Review status: criteria provided, single submitter. Criteria: ACMG Guidelines, 2015. Collection method: clinical testing. Allele origin: germline. Affected: no.

GeneDx
Classification: Likely benign. Last evaluated: 2018-11-01. Review status: criteria provided, single submitter. Criteria: GeneDx Variant Classification Process June 2021. Collection method: clinical testing. Allele origin: germline. Affected: yes.

St. Jude Molecular Pathology, St. Jude Children's Research Hospital
Classification: Uncertain significance for Craniopharyngioma. Last evaluated: 2016-07-22. Review status: criteria provided, single submitter. Criteria: ACMG Guidelines, 2015. Collection method: clinical testing. Allele origin: germline. Affected: yes.

PreventionGenetics, part of Exact Sciences
Classification: Uncertain significance for TSC1-related condition. Last evaluated: 2024-03-03. Review status: no assertion criteria provided. Collection method: clinical testing. Allele origin: germline. Not counted in ClinVar's aggregate classification.
Comment: The TSC1 c.1355G>C variant is predicted to result in the amino acid substitution p.Gly452Ala. To our knowledge, this variant has not been reported in the literature. This variant is reported in 0.0040% of alleles in individuals of African descent in gnomAD. At this time, the clinical significance of this variant is uncertain due to the absence of conclusive functional and genetic evidence.

Literature cited by the submitters: PubMed 29684080 (cited by Ambry Genetics and Color Diagnostics, LLC DBA Color Health); PubMed 34301788 (cited by Color Diagnostics, LLC DBA Color Health).

NM_000368.5(TSC1):c.1355G>C (p.Gly452Ala)

Gene: TSC1 (TSC complex subunit 1; minus strand). Cytogenetic location: 9q34.13.
Variant type: single nucleotide variant.
Coding change: c.1355G>C on transcript NM_000368.5 (MANE Select); coding-DNA position 1355, G replaced by C.
Protein change: p.Gly452Ala; replaces glycine 452 with alanine.
Molecular consequence: missense variant.
Genome position (GRCh38, 1-based): chr9:132,906,814, C>G on the plus strand (G>C on the coding strand, the complement: TSC1 is on the minus strand). VCF-style: chr9-132906814-C-G. GRCh37 (hg19) VCF-style: chr9-135782201-C-G.
Other names: c.1352G>C, p.Gly451Ala (NM_001162426.2); c.1202G>C, p.Gly401Ala (NM_001162427.2); c.992G>C, p.Gly331Ala (NM_001362177.2); short protein forms G452A, G451A, G331A, G401A.
Identifiers: ClinVar variation 411263 (VCV000411263.28), dbSNP rs371093730, ClinGen allele CA028454.